The following is an entry in ClinVar:

NM_000219.6(KCNE1):c.291C>A (p.Ala97=)

Gene: KCNE1 (potassium voltage-gated channel subfamily E regulatory subunit 1; minus strand). Cytogenetic location: 21q22.12.
Variant type: single nucleotide variant.
Coding change: c.291C>A on transcript NM_000219.6 (MANE Select); coding-DNA position 291, C replaced by A.
Protein change: p.Ala97=; no amino-acid change (alanine 97 retained).
Molecular consequence: synonymous variant.
Genome position (GRCh38, 1-based): chr21:34,449,344, G>T on the plus strand (C>A on the coding strand, the complement: KCNE1 is on the minus strand). VCF-style: chr21-34449344-G-T. GRCh37 (hg19) VCF-style: chr21-35821642-G-T.
Other names: c.291C>A, p.Ala97= (NM_001127668.4, NM_001127669.4, NM_001127670.4 and 4 more transcripts).
Identifiers: ClinVar variation 3374550 (VCV003374550.2).

Conditions:
Long QT syndrome 5 (LQT5). Identifiers: Orphanet 101016, Orphanet 768, MedGen C1867904, MONDO:0013372, OMIM 613695.

Submission:

Roden Lab, Vanderbilt University Medical Center
No classification provided (evidence only). Condition: Long QT syndrome 5. Review status: no classification provided. Collection method: in vitro. Allele origin: not applicable. Functional consequence: Effect on ion channel function.
ClinVar note: "not provided" was previously submitted as the classification for the variant. However, the classification appeared to be based only on an observation of functional data so it was converted to no classification on 2025-07-30.